The following is an entry in ClinVar:

NM_000059.4(BRCA2):c.6889A>G (p.Ile2297Val)

Gene: BRCA2 (BRCA2 DNA repair associated; plus strand). Cytogenetic location: 13q13.1.
Variant type: single nucleotide variant.
Coding change: c.6889A>G on transcript NM_000059.4 (MANE Select); coding-DNA position 6889, A replaced by G.
Protein change: p.Ile2297Val; replaces isoleucine 2297 with valine.
Molecular consequence: missense variant.
Genome position (GRCh38, 1-based): chr13:32,344,605, A>G. VCF-style: chr13-32344605-A-G. GRCh37 (hg19) VCF-style: chr13-32918742-A-G.
Other names: NP_000050.3:p.Ile2297Val; short protein forms I2297V.
Identifiers: ClinVar variation 631169 (VCV000631169.30), dbSNP rs1566236917, ClinGen allele CA387792796.
Genomic context (GRCh38, chr13:32,344,605, plus strand): 5'-TATTTCTTTTTAGGAGAACCCTCAATCAAAAGAAACTTATTAAATGAATTTGACAGGATA[A>G]TAGAAAATCAAGAAAAATCCTTAAAGGCTTCAAAAAGCACTCCAGATGGTAAAATTAGCT-3'
Protein context (NP_000050.3, residues 2287-2307): RNLLNEFDRI[Ile2297Val]ENQEKSLKAS

ClinVar aggregate classification (germline): Uncertain significance. Review status: criteria provided, multiple submitters, no conflicts (2 of 4 stars). 4 submissions from 4 submitters: Uncertain significance (4). Last evaluated 2025-12-24.

Conditions:
Hereditary cancer-predisposing syndrome. Also called: Tumor predisposition; Neoplastic Syndromes, Hereditary; Hereditary neoplastic syndrome; Hereditary Cancer Syndrome. Identifiers: Orphanet 140162, MedGen C0027672, MeSH D009386, MONDO:0015356.
Hereditary breast ovarian cancer syndrome. Also called: Hereditary breast and ovarian cancer; Hereditary breast and ovarian cancer syndrome (HBOC); Breast and ovarian cancer; Hereditary breast and ovarian cancer syndrome; BRCA1- and BRCA2-Associated Hereditary Breast and Ovarian Cancer; Hereditary breast and/or ovarian cancer syndrome. Identifiers: Orphanet 145, MedGen C0677776, MeSH D061325, MONDO:0003582. Disease mechanism: loss of function.

Submissions (4):

Labcorp Genetics (formerly Invitae), Labcorp
Classification: Uncertain significance for Hereditary breast ovarian cancer syndrome. Last evaluated: 2025-12-24. Review status: criteria provided, single submitter. Criteria: Invitae Variant Classification Sherloc (09022015). Collection method: clinical testing. Allele origin: germline.
Comment: This sequence change replaces isoleucine, which is neutral and non-polar, with valine, which is neutral and non-polar, at codon 2297 of the BRCA2 protein (p.Ile2297Val). This variant is not present in population databases (gnomAD no frequency). This variant has not been reported in the literature in individuals affected with BRCA2-related conditions. ClinVar contains an entry for this variant (Variation ID: 631169). Invitae Evidence Modeling of protein sequence and biophysical properties (such as structural, functional, and spatial information, amino acid conservation, physicochemical variation, residue mobility, and thermodynamic stability) indicates that this missense variant is not expected to disrupt BRCA2 protein function with a negative predictive value of 95%. In summary, the available evidence is currently insufficient to determine the role of this variant in disease. Therefore, it has been classified as a Variant of Uncertain Significance.

Color Diagnostics, LLC DBA Color Health
Classification: Uncertain significance for Hereditary cancer-predisposing syndrome. Last evaluated: 2023-12-05. Review status: criteria provided, single submitter. Criteria: ACMG Guidelines, 2015. Collection method: clinical testing. Allele origin: germline.
Comment: This missense variant replaces isoleucine with valine at codon 2297 of the BRCA2 protein. Computational prediction suggests that this variant may not impact protein structure and function (internally defined REVEL score threshold <= 0.5, PMID: 27666373). To our knowledge, functional studies have not been reported for this variant. This variant has not been reported in individuals affected with BRCA2-related disorders in the literature. This variant has not been identified in the general population by the Genome Aggregation Database (gnomAD). The available evidence is insufficient to determine the role of this variant in disease conclusively. Therefore, this variant is classified as a Variant of Uncertain Significance.

Ambry Genetics
Classification: Uncertain significance for Hereditary cancer-predisposing syndrome. Last evaluated: 2023-09-15. Review status: criteria provided, single submitter. Criteria: Ambry Variant Classification Scheme 2023. Collection method: clinical testing. Allele origin: germline.
Comment: The p.I2297V variant (also known as c.6889A>G), located in coding exon 11 of the BRCA2 gene, results from an A to G substitution at nucleotide position 6889. The isoleucine at codon 2297 is replaced by valine, an amino acid with highly similar properties. This amino acid position is conserved. In addition, this alteration is predicted to be tolerated by in silico analysis. Since supporting evidence is limited at this time, the clinical significance of this alteration remains unclear.

National Health Laboratory Service, Universitas Academic Hospital and University of the Free State
Classification: Uncertain significance for Hereditary breast ovarian cancer syndrome. Last evaluated: 2021-11-16. Review status: criteria provided, single submitter. Criteria: ACMG Guidelines, 2015. Collection method: clinical testing. Allele origin: germline. Affected: yes. Observed: 1 variant allele.

Literature cited by the submitters: DOI 10.3389/fgene.2022.834265 (cited by National Health Laboratory Service, Universitas Academic Hospital and University of the Free State).